The following is an entry in ClinVar:

ClinVar aggregate classification (germline): Uncertain significance (1 of 4 stars; one submission).

Conditions:
Atrial fibrillation, familial, 7 (ATFB7). Identifiers: MedGen C2677106, MONDO:0012828, OMIM 612240.

Allele frequency attached by ClinVar (database versions not stated): ExAC 0.00007.

Submission:

Labcorp Genetics (formerly Invitae), Labcorp
Classification: Uncertain significance for Atrial fibrillation, familial, 7. Last evaluated: 2024-01-27. Review status: criteria provided, single submitter. Criteria: Invitae Variant Classification Sherloc (09022015). Collection method: clinical testing. Allele origin: germline.
Comment: This sequence change affects codon 475 of the KCNA5 mRNA. It is a 'silent' change, meaning that it does not change the encoded amino acid sequence of the KCNA5 protein. This variant is present in population databases (rs769367518, gnomAD 0.04%). This variant has not been reported in the literature in individuals affected with KCNA5-related conditions. In summary, the available evidence is currently insufficient to determine the role of this variant in disease. Therefore, it has been classified as a Variant of Uncertain Significance.

NM_002234.4(KCNA5):c.1425G>T (p.Val475=)

Gene: KCNA5 (potassium voltage-gated channel subfamily A member 5; plus strand). Cytogenetic location: 12p13.32.
Variant type: single nucleotide variant.
Coding change: c.1425G>T on transcript NM_002234.4 (MANE Select); coding-DNA position 1425, G replaced by T.
Protein change: p.Val475=; no amino-acid change (valine 475 retained).
Molecular consequence: synonymous variant.
Genome position (GRCh38, 1-based): chr12:5,045,572, G>T. VCF-style: chr12-5045572-G-T. GRCh37 (hg19) VCF-style: chr12-5154738-G-T.
Identifiers: ClinVar variation 2826320 (VCV002826320.3), dbSNP rs769367518, ClinGen allele CA6399867.